The following is an entry in ClinVar:

NM_000051.4(ATM):c.3592T>G (p.Ser1198Ala)

Gene: ATM (ATM serine/threonine kinase; plus strand). Cytogenetic location: 11q22.3.
Variant type: single nucleotide variant.
Coding change: c.3592T>G on transcript NM_000051.4 (MANE Select); coding-DNA position 3592, T replaced by G.
Protein change: p.Ser1198Ala; replaces serine 1198 with alanine.
Molecular consequence: missense variant.
Genome position (GRCh38, 1-based): chr11:108,282,725, T>G. VCF-style: chr11-108282725-T-G. GRCh37 (hg19) VCF-style: chr11-108153452-T-G.
Other names: c.3592T>G, p.Ser1198Ala (NM_001351834.2); short protein forms S1198A.
Identifiers: ClinVar variation 1733000 (VCV001733000.2), dbSNP rs1555092260, ClinGen allele CA382522565.

ClinVar aggregate classification (germline): Uncertain significance (1 of 4 stars; one submission).

Conditions:
Hereditary cancer-predisposing syndrome. Also called: Neoplastic Syndromes, Hereditary; Tumor predisposition; Hereditary Cancer Syndrome; Hereditary neoplastic syndrome. Identifiers: Orphanet 140162, MedGen C0027672, MeSH D009386, MONDO:0015356.

Submission:

Ambry Genetics
Classification: Uncertain significance for Hereditary cancer-predisposing syndrome. Last evaluated: 2021-06-23. Review status: criteria provided, single submitter. Criteria: Ambry Variant Classification Scheme 2023. Collection method: clinical testing. Allele origin: germline.
Comment: The p.S1198A variant (also known as c.3592T>G), located in coding exon 24 of the ATM gene, results from a T to G substitution at nucleotide position 3592. The serine at codon 1198 is replaced by alanine, an amino acid with similar properties. This amino acid position is highly conserved in available vertebrate species. In addition, this alteration is predicted to be tolerated by in silico analysis. Since supporting evidence is limited at this time, the clinical significance of this alteration remains unclear.